The following is an entry in ClinVar:

ClinVar aggregate classification (germline): Uncertain significance (1 of 4 stars; one submission).

Conditions:
Hereditary cancer-predisposing syndrome. Also called: Hereditary Cancer Syndrome; Neoplastic Syndromes, Hereditary; Tumor predisposition; Hereditary neoplastic syndrome. Identifiers: Orphanet 140162, MedGen C0027672, MeSH D009386, MONDO:0015356.

Submission:

Ambry Genetics
Classification: Uncertain significance for Hereditary cancer-predisposing syndrome. Last evaluated: 2022-04-19. Review status: criteria provided, single submitter. Criteria: Ambry Variant Classification Scheme 2023. Collection method: clinical testing. Allele origin: germline.
Comment: The p.A1605S variant (also known as c.4813G>T), located in coding exon 31 of the ATM gene, results from a G to T substitution at nucleotide position 4813. The alanine at codon 1605 is replaced by serine, an amino acid with similar properties. This amino acid position is not well conserved in available vertebrate species. In addition, this alteration is predicted to be tolerated by in silico analysis. Since supporting evidence is limited at this time, the clinical significance of this alteration remains unclear.

NM_000051.4(ATM):c.4813G>T (p.Ala1605Ser)

Gene: ATM (ATM serine/threonine kinase; plus strand). Cytogenetic location: 11q22.3.
Variant type: single nucleotide variant.
Coding change: c.4813G>T on transcript NM_000051.4 (MANE Select); coding-DNA position 4813, G replaced by T.
Protein change: p.Ala1605Ser; replaces alanine 1605 with serine.
Molecular consequence: missense variant.
Genome position (GRCh38, 1-based): chr11:108,294,963, G>T. VCF-style: chr11-108294963-G-T. GRCh37 (hg19) VCF-style: chr11-108165690-G-T.
Other names: c.4813G>T, p.Ala1605Ser (NM_001351834.2); short protein forms A1605S.
Identifiers: ClinVar variation 1743303 (VCV001743303.2), dbSNP rs1555101706, ClinGen allele CA382536624.